The following is an entry in ClinVar:

ClinVar aggregate classification (germline): Pathogenic. Review status: criteria provided, multiple submitters, no conflicts (2 of 4 stars). 2 submissions from 2 submitters: Pathogenic (2). Last evaluated 2019-07-22.

Conditions:
Duchenne muscular dystrophy (DMD). Also called: MUSCULAR DYSTROPHY, PSEUDOHYPERTROPHIC PROGRESSIVE, DUCHENNE TYPE; Duchenne Muscular Dystrophy (DMD). Identifiers: Orphanet 98896, MedGen C0013264, MONDO:0010679, OMIM 310200.

Submissions (2):

Labcorp Genetics (formerly Invitae), Labcorp
Classification: Pathogenic for Duchenne muscular dystrophy. Last evaluated: 2019-07-22. Review status: criteria provided, single submitter. Criteria: Invitae Variant Classification Sherloc (09022015). Collection method: clinical testing. Allele origin: germline.
Comment: This sequence change creates a premature translational stop signal (p.Leu229*) in the DMD gene. It is expected to result in an absent or disrupted protein product. This variant is not present in population databases (ExAC no frequency). This variant has not been reported in the literature in individuals with DMD-related conditions. For these reasons, this variant has been classified as Pathogenic. Loss-of-function variants in DMD are known to be pathogenic (PMID: 16770791, 25007885).

ARUP Laboratories, Molecular Genetics and Genomics, ARUP Laboratories
Classification: Pathogenic. Last evaluated: 2019-06-14. Review status: criteria provided, single submitter. Criteria: ARUP Molecular Germline Variant Investigation Process. Collection method: clinical testing. Allele origin: germline.
Comment: The c.686T>G; p.Leu229Ter variant, to our knowledge, is not reported in the medical literature but is reported in ClinVar (Variation ID: 455925). Additionally, another variant (c.686T>A) that leads to the same p.Leu229Ter alteration has been reported in an individual with DMD and in a DMD carrier (Flanigan 2009, Takeshima 2010). The c.686T>G variant is absent from general population databases (Exome Variant Server, Genome Aggregation Database), indicating it is not a common polymorphism. This variant induces an early termination codon and is predicted to result in a truncated protein or mRNA subject to nonsense-mediated decay. Based on available information, this variant is considered to be pathogenic. References: Flanigan KM et al. Mutational spectrum of DMD mutations in dystrophinopathy patients: application of modern diagnostic techniques to a large cohort. Hum Mutat. 2009 Dec;30(12):1657-66. Takeshima Y et al. Mutation spectrum of the dystrophin gene in 442 Duchenne/Becker muscular dystrophy cases from one Japanese referral center. J Hum Genet. 2010 Jun;55(6):379-88.

Literature cited by the submitters: PubMed 16770791 (cited by Labcorp Genetics (formerly Invitae), Labcorp); PubMed 25007885 (cited by Labcorp Genetics (formerly Invitae), Labcorp).

NM_004006.3(DMD):c.686T>G (p.Leu229Ter)

Gene: DMD (dystrophin; minus strand). Cytogenetic location: Xp21.1.
Variant type: single nucleotide variant.
Coding change: c.686T>G on transcript NM_004006.3 (MANE Select); coding-DNA position 686, T replaced by G.
Protein change: p.Leu229Ter; replaces leucine 229 with a stop codon.
Molecular consequence: nonsense.
Genome position (GRCh38, 1-based): chrX:32,699,257, A>C on the plus strand (T>G on the coding strand, the complement: DMD is on the minus strand). VCF-style: chrX-32699257-A-C. GRCh37 (hg19) VCF-style: chrX-32717374-A-C.
Other names: c.662T>G, p.Leu221Ter (NM_000109.4); c.674T>G, p.Leu225Ter (NM_004009.3); c.317T>G, p.Leu106Ter (NM_004010.3); short protein forms L229*, L106*, L221*, L225*.
Identifiers: ClinVar variation 455925 (VCV000455925.16), dbSNP rs1556930769, ClinGen allele CA412669106.